The following is an entry in ClinVar:

NM_001365951.3(KIF1B):c.3020G>T (p.Arg1007Leu)

Gene: KIF1B (kinesin family member 1B; plus strand). Cytogenetic location: 1p36.22.
Variant type: single nucleotide variant.
Coding change: c.3020G>T on transcript NM_001365951.3 (MANE Select); coding-DNA position 3020, G replaced by T.
Protein change: p.Arg1007Leu; replaces arginine 1007 with leucine.
Molecular consequence: missense variant.
Genome position (GRCh38, 1-based): chr1:10,334,615, G>T. VCF-style: chr1-10334615-G-T. GRCh37 (hg19) VCF-style: chr1-10394673-G-T.
Other names: c.3020G>T, p.Arg1007Leu (NM_001365952.1); c.2882G>T, p.Arg961Leu (NM_015074.3); short protein forms R1007L, R961L.
Identifiers: ClinVar variation 1797197 (VCV001797197.8), dbSNP rs145494902, ClinGen allele CA581671.
Genomic context (GRCh38, chr1:10,334,615, plus strand): 5'-TGCCCCTGATCCACAGGGTGGCCATCGTCAGTGAGAAAGGTGAAGTGCGGGGATTTCTGC[G>T]TGTGGCTGTACAGGCCATCGCAGGTAGGTGACCCTCTTCTGAAATGAGAGCTGTGAGTTC-3'
Protein context (NP_001352880.1, residues 997-1017): SEKGEVRGFL[Arg1007Leu]VAVQAIAADE

ClinVar aggregate classification (germline): Uncertain significance. Review status: criteria provided, multiple submitters, no conflicts (2 of 4 stars). 2 submissions from 2 submitters: Uncertain significance (2). Last evaluated 2025-11-09.

Conditions:
Charcot-Marie-Tooth disease type 2. Also called: Charcot-Marie-Tooth type 2. Identifiers: Orphanet 64746, MedGen C0270914, MONDO:0018993.

gnomAD v4.1: 33 of 1,613,662 alleles (0.002%); highest among the groups gnomAD compares: Admixed American, 0.0033%; no homozygotes.

Submissions (2):

Ambry Genetics
Classification: Uncertain significance. Last evaluated: 2025-11-09. Review status: criteria provided, single submitter. Criteria: Ambry Variant Classification Scheme 2023. Collection method: clinical testing. Allele origin: germline.
Comment: The p.R961L variant (also known as c.2882G>T), located in coding exon 25 of the KIF1B gene, results from a G to T substitution at nucleotide position 2882. The arginine at codon 961 is replaced by leucine, an amino acid with dissimilar properties. This amino acid position is highly conserved in available vertebrate species. In addition, this alteration is predicted to be deleterious by in silico analysis. Since supporting evidence is limited at this time, the clinical significance of this alteration remains unclear.

Labcorp Genetics (formerly Invitae), Labcorp
Classification: Uncertain significance for Charcot-Marie-Tooth disease type 2. Last evaluated: 2025-09-22. Review status: criteria provided, single submitter. Criteria: Invitae Variant Classification Sherloc (09022015). Collection method: clinical testing. Allele origin: germline.
Comment: This sequence change replaces arginine, which is basic and polar, with leucine, which is neutral and non-polar, at codon 961 of the KIF1B protein (p.Arg961Leu). This variant is present in population databases (rs145494902, gnomAD 0.003%). This variant has not been reported in the literature in individuals affected with KIF1B-related conditions. ClinVar contains an entry for this variant (Variation ID: 1797197). Invitae Evidence Modeling of protein sequence and biophysical properties (such as structural, functional, and spatial information, amino acid conservation, physicochemical variation, residue mobility, and thermodynamic stability) indicates that this missense variant is not expected to disrupt KIF1B protein function with a negative predictive value of 80%. In summary, the available evidence is currently insufficient to determine the role of this variant in disease. Therefore, it has been classified as a Variant of Uncertain Significance.